The following is an entry in ClinVar:

ClinVar aggregate classification (germline): Pathogenic. Review status: criteria provided, multiple submitters, no conflicts (2 of 4 stars). 2 submissions from 2 submitters: Pathogenic (2). Last evaluated 2023-09-15.

Conditions:
Hereditary cancer-predisposing syndrome. Also called: Neoplastic Syndromes, Hereditary; Tumor predisposition; Hereditary Cancer Syndrome; Hereditary neoplastic syndrome. Identifiers: Orphanet 140162, MedGen C0027672, MeSH D009386, MONDO:0015356.
Gorlin syndrome. Also called: Nevoid Basal Cell Carcinoma Syndrome; Basal cell nevus syndrome. Identifiers: Orphanet 377, MedGen C0004779, MONDO:0007187.

Submissions (2):

Labcorp Genetics (formerly Invitae), Labcorp
Classification: Pathogenic for Gorlin syndrome. Last evaluated: 2023-09-15. Review status: criteria provided, single submitter. Criteria: Invitae Variant Classification Sherloc (09022015). Collection method: clinical testing. Allele origin: germline.
Comment: For these reasons, this variant has been classified as Pathogenic. Algorithms developed to predict the effect of sequence changes on RNA splicing suggest that this variant may disrupt the consensus splice site. ClinVar contains an entry for this variant (Variation ID: 524571). This variant has not been reported in the literature in individuals affected with PTCH1-related conditions. This variant is not present in population databases (gnomAD no frequency). This sequence change creates a premature translational stop signal (p.Glu150*) in the PTCH1 gene. It is expected to result in an absent or disrupted protein product. Loss-of-function variants in PTCH1 are known to be pathogenic (PMID: 16301862, 16419085).

Ambry Genetics
Classification: Pathogenic for Hereditary cancer-predisposing syndrome. Last evaluated: 2020-08-17. Review status: criteria provided, single submitter. Criteria: Ambry Variant Classification Scheme 2023. Collection method: clinical testing. Allele origin: germline.
Comment: The p.E150* pathogenic mutation (also known as c.448G>T), located in coding exon 3 of the PTCH1 gene, results from a G to T substitution at nucleotide position 448. This changes the amino acid from a glutamic acid to a stop codon within coding exon 3. This alteration is expected to result in loss of function by premature protein truncation or nonsense-mediated mRNA decay. As such, this alteration is interpreted as a disease-causing mutation.

Literature cited by the submitters: PubMed 16301862 (cited by Labcorp Genetics (formerly Invitae), Labcorp); PubMed 16419085 (cited by Labcorp Genetics (formerly Invitae), Labcorp).

NM_000264.5(PTCH1):c.448G>T (p.Glu150Ter)

Gene: PTCH1 (patched 1; minus strand). Cytogenetic location: 9q22.32.
Variant type: single nucleotide variant.
Coding change: c.448G>T on transcript NM_000264.5 (MANE Select); coding-DNA position 448, G replaced by T.
Protein change: p.Glu150Ter; replaces glutamic acid 150 with a stop codon.
Molecular consequence: nonsense. On other transcripts: 5 prime UTR variant (4), non-coding transcript variant (1).
Genome position (GRCh38, 1-based): chr9:95,485,821, C>A on the plus strand (G>T on the coding strand, the complement: PTCH1 is on the minus strand). VCF-style: chr9-95485821-C-A. GRCh37 (hg19) VCF-style: chr9-98248103-C-A.
Other names: c.250G>T, p.Glu84Ter (NM_001083602.3, NM_001354919.2); c.445G>T, p.Glu149Ter (NM_001083603.3); c.-6G>T (NM_001083604.3, NM_001083605.3, NM_001083606.3 and 1 more transcripts); c.448G>T, p.Glu150Ter (NM_001354918.2); short protein forms E84*, E150*, E149*.
Identifiers: ClinVar variation 524571 (VCV000524571.9), dbSNP rs1344258746, ClinGen allele CA374117142.